The following is an entry in ClinVar:

ClinVar aggregate classification (germline): Benign/Likely benign. Review status: criteria provided, multiple submitters, no conflicts (2 of 4 stars). 4 submissions from 3 submitters: Benign (2); Likely benign (2). Last evaluated 2022-03-15.

Conditions:
Adams-Oliver syndrome 5 (AOS5). Identifiers: Orphanet 974, MedGen C4014970, MONDO:0014459, OMIM 616028.
Aortic valve disease 1 (AOVD1). Identifiers: MedGen C3887892, MONDO:0024523, OMIM 109730.

Allele frequency attached by ClinVar (database versions not stated): gnomAD 0.00001.

Submissions (4):

Genome-Nilou Lab
Classification: Benign for Adams-Oliver syndrome 5. Last evaluated: 2022-03-15. Review status: criteria provided, single submitter. Criteria: ACMG Guidelines, 2015. Collection method: clinical testing. Allele origin: germline. Affected: no.

Genome-Nilou Lab
Classification: Benign for Aortic valve disease 1. Last evaluated: 2022-03-15. Review status: criteria provided, single submitter. Criteria: ACMG Guidelines, 2015. Collection method: clinical testing. Allele origin: germline. Affected: no.

Labcorp Genetics (formerly Invitae), Labcorp
Classification: Likely benign for Adams-Oliver syndrome 5. Last evaluated: 2019-12-31. Review status: criteria provided, single submitter. Criteria: Invitae Variant Classification Sherloc (09022015). Collection method: clinical testing. Allele origin: germline.

GeneDx
Classification: Likely benign. Last evaluated: 2018-03-22. Review status: criteria provided, single submitter. Criteria: GeneDx Variant Classification (06012015). Collection method: clinical testing. Allele origin: germline. Affected: yes.
Comment: This variant is considered likely benign or benign based on one or more of the following criteria: it is a conservative change, it occurs at a poorly conserved position in the protein, it is predicted to be benign by multiple in silico algorithms, and/or has population frequency not consistent with disease.

NM_017617.5(NOTCH1):c.6789G>C (p.Arg2263=)

Gene: NOTCH1 (notch receptor 1; minus strand). Cytogenetic location: 9q34.3.
Variant type: single nucleotide variant.
Coding change: c.6789G>C on transcript NM_017617.5 (MANE Select); coding-DNA position 6789, G replaced by C.
Protein change: p.Arg2263=; no amino-acid change (arginine 2263 retained).
Molecular consequence: synonymous variant.
Genome position (GRCh38, 1-based): chr9:136,496,950, C>G on the plus strand (G>C on the coding strand, the complement: NOTCH1 is on the minus strand). VCF-style: chr9-136496950-C-G. GRCh37 (hg19) VCF-style: chr9-139391402-C-G.
Identifiers: ClinVar variation 681045 (VCV000681045.10), dbSNP rs1367699274, ClinGen allele CA467831873.
Genomic context (GRCh38, chr9:136,496,950, plus strand): 5'-GCTGGTGCCAGAGGCCACAGGCAGGTGGGAGAGACGAGGTGGGCCAGTCTCAAAGGCCAG[C>G]CGGCCGCCCCCACCCAGCGCCGCCATCTCGGGCTTGGCCGCCACGTTCAGGTGCCCGATG-3'
Protein context (NP_060087.3, residues 2253-2273): PEMAALGGGG[Arg2263=]LAFETGPPRL